The following is an entry in ClinVar:

NM_000642.3(AGL):c.518_520dup (p.Tyr173_Ser174insTyr)

Gene: AGL (amylo-alpha-1,6-glucosidase and 4-alpha-glucanotransferase; plus strand). Cytogenetic location: 1p21.2.
Variant type: Duplication.
Coding change: c.518_520dup on transcript NM_000642.3 (MANE Select); coding-DNA positions 518 to 520, 3 bases duplicated (ACT; older notation c.518_520dupACT).
Protein change: p.Tyr173_Ser174insTyr.
Molecular consequence: inframe insertion. On other transcripts: inframe indel (8).
Genome position (GRCh38, 1-based): chr1:99,864,443-99,864,445, ACT duplicated; duplicating any 3 consecutive bases within chr1:99,864,441-99,864,445 gives the same sequence; the c. name uses the placement nearest the transcript's 3' end. VCF-style (leftmost placement, unchanged base first): chr1-99864440-G-GCTA. GRCh37 (hg19) VCF-style: chr1-100329996-G-GCTA.
Other names: c.518_520dup, p.Tyr173_Ser174insTyr (NM_000028.3, NM_000643.3, NM_000644.3 and 3 more transcripts); c.470_472dup, p.Tyr157_Ser158insTyr (NM_000646.3); c.140_142dup, p.Tyr47_Ser48insTyr (NM_001425332.1).
Identifiers: ClinVar variation 2202818 (VCV002202818.4), dbSNP rs1557749402, ClinGen allele CA524878394.

ClinVar aggregate classification (germline): Uncertain significance (1 of 4 stars; one submission).

Conditions:
Glycogen storage disease type III (GSD3). Also called: Cori disease; FORBES DISEASE. Identifiers: Orphanet 366, MedGen C0017922, MONDO:0009291, OMIM 232400.

Submission:

Labcorp Genetics (formerly Invitae), Labcorp
Classification: Uncertain significance for Glycogen storage disease type III. Last evaluated: 2023-05-08. Review status: criteria provided, single submitter. Criteria: Invitae Variant Classification Sherloc (09022015). Collection method: clinical testing. Allele origin: germline.
Comment: Experimental studies and prediction algorithms are not available or were not evaluated, and the functional significance of this variant is currently unknown. In summary, the available evidence is currently insufficient to determine the role of this variant in disease. Therefore, it has been classified as a Variant of Uncertain Significance. This variant is present in population databases (no rsID available, gnomAD 0.0009%). This variant has been observed in individual(s) with glycogen storage disease (PMID: 27106217). ClinVar contains an entry for this variant (Variation ID: 2202818). This variant, c.518_520dup, results in the insertion of 1 amino acid(s) of the AGL protein (p.Tyr173dup), but otherwise preserves the integrity of the reading frame.

Literature cited by the submitters: PubMed 27106217.